The following is an entry in ClinVar:

NM_001099289.3(SH3RF3):c.1576G>A (p.Val526Met)

Genes: RANBP2 (RAN binding protein 2; plus strand), SH3RF3 (SH3 domain containing ring finger 3; plus strand). Cytogenetic location: 2q13.
Variant type: single nucleotide variant.
Coding change: c.1576G>A on transcript NM_001099289.3 (MANE Select); coding-DNA position 1576, G replaced by A.
Protein change: p.Val526Met; replaces valine 526 with methionine.
Molecular consequence: missense variant.
Genome position (GRCh38, 1-based): chr2:109,436,894, G>A. VCF-style: chr2-109436894-G-A. GRCh37 (hg19) VCF-style: chr2-110053350-G-A.
Other names: short protein forms V526M.
Identifiers: ClinVar variation 3161411 (VCV003161411.1), dbSNP rs760771319, ClinGen allele CA1825701.

ClinVar aggregate classification (germline): Uncertain significance (1 of 4 stars; one submission).

Allele frequency attached by ClinVar (database versions not stated): gnomAD 0.00002; gnomAD exomes 0.00006; ExAC 0.00010.
gnomAD v4.1: 38 of 1,612,836 alleles (0.0024%); highest among the groups gnomAD compares: Admixed American, 0.063%; no homozygotes.

Submission:

Ambry Genetics
Classification: Uncertain significance. Last evaluated: 2022-03-29. Review status: criteria provided, single submitter. Criteria: Ambry Variant Classification Scheme 2023. Collection method: clinical testing. Allele origin: germline.
Comment: The c.1576G>A (p.V526M) alteration is located in exon (coding exon ) of the SH3RF3 gene. This alteration results from a G to A substitution at nucleotide position 1576, causing the valine (V) at amino acid position 526 to be replaced by a methionine (M). Based on insufficient or conflicting evidence, the clinical significance of this alteration remains unclear.